The following is an entry in ClinVar:

NM_000422.3(KRT17):c.940C>G (p.Leu314Val)

Gene: KRT17 (keratin 17; minus strand). Cytogenetic location: 17q21.2.
Variant type: single nucleotide variant.
Coding change: c.940C>G on transcript NM_000422.3 (MANE Select); coding-DNA position 940, C replaced by G.
Protein change: p.Leu314Val; replaces leucine 314 with valine.
Molecular consequence: missense variant.
Genome position (GRCh38, 1-based): chr17:41,620,986, G>C on the plus strand (C>G on the coding strand, the complement: KRT17 is on the minus strand). VCF-style: chr17-41620986-G-C. GRCh37 (hg19) VCF-style: chr17-39777238-G-C.
Other names: short protein forms L314V.
Identifiers: ClinVar variation 2109762 (VCV002109762.4), dbSNP rs1478246116, ClinGen allele CA399504375.
Genomic context (GRCh38, chr17:41,620,986, plus strand): 5'-CCTCTTCTGGGCCCTCCCCCATGCACAGGACTGTTCCTACCATGCTGAGCTGGGACTGCA[G>C]CTCTATCTCCAAGGCCTGCATGGTGCGCCGGAGCTCCGAGATCTCACTCTTGCCACTCTG-3'
Protein context (NP_000413.1, residues 304-324): RRTMQALEIE[Leu314Val]QSQLSMKASL

ClinVar aggregate classification (germline): Uncertain significance (1 of 4 stars; one submission).

Allele frequency attached by ClinVar (database versions not stated): gnomAD exomes below 0.00001.

Submission:

Labcorp Genetics (formerly Invitae), Labcorp
Classification: Uncertain significance. Last evaluated: 2022-03-12. Review status: criteria provided, single submitter. Criteria: Invitae Variant Classification Sherloc (09022015). Collection method: clinical testing. Allele origin: germline.
Comment: In summary, the available evidence is currently insufficient to determine the role of this variant in disease. Therefore, it has been classified as a Variant of Uncertain Significance. Algorithms developed to predict the effect of sequence changes on RNA splicing suggest that this variant may create or strengthen a splice site. Algorithms developed to predict the effect of missense changes on protein structure and function (SIFT, PolyPhen-2, Align-GVGD) all suggest that this variant is likely to be disruptive. This variant has not been reported in the literature in individuals affected with KRT17-related conditions. This variant is present in population databases (no rsID available, gnomAD 0.0009%). This sequence change replaces leucine, which is neutral and non-polar, with valine, which is neutral and non-polar, at codon 314 of the KRT17 protein (p.Leu314Val).